The following is an entry in ClinVar:

NM_006204.4(PDE6C):c.2126_2129del (p.Thr709fs)

Gene: PDE6C (phosphodiesterase 6C; plus strand). Cytogenetic location: 10q23.33.
Variant type: Microsatellite.
Coding change: c.2126_2129del on transcript NM_006204.4 (MANE Select); coding-DNA positions 2126 to 2129, 4 bases deleted (CCAA; older notation c.2126_2129delCCAA).
Protein change: p.Thr709fs; shifts the reading frame from threonine 709.
Molecular consequence: frameshift variant.
Genome position (GRCh38, 1-based): chr10:93,658,990-93,658,993, CCAA deleted; deleting any 4 consecutive bases within chr10:93,658,986-93,658,993 gives the same sequence; the c. name uses the placement nearest the transcript's 3' end. VCF-style (leftmost placement, unchanged base first): chr10-93658985-TCCAA-T. GRCh37 (hg19) VCF-style: chr10-95418742-TCCAA-T.
Other names: short protein forms T709fs.
Identifiers: ClinVar variation 938789 (VCV000938789.8), dbSNP rs769738331, ClinGen allele CA5610402.

ClinVar aggregate classification (germline): Pathogenic/Likely pathogenic. Review status: criteria provided, multiple submitters, no conflicts (2 of 4 stars). 2 submissions from 2 submitters: Pathogenic (1); Likely pathogenic (1). Last evaluated 2022-06-04.

Conditions:
Cone dystrophy 4 (COD4). Identifiers: Orphanet 49382, MedGen C2751308, MONDO:0013129, OMIM 613093.

Submissions (2):

Labcorp Genetics (formerly Invitae), Labcorp
Classification: Pathogenic. Last evaluated: 2022-06-04. Review status: criteria provided, single submitter. Criteria: Invitae Variant Classification Sherloc (09022015). Collection method: clinical testing. Allele origin: germline.
Comment: This sequence change creates a premature translational stop signal (p.Thr709Argfs*8) in the PDE6C gene. It is expected to result in an absent or disrupted protein product. Loss-of-function variants in PDE6C are known to be pathogenic (PMID: 19887631, 23776498, 26103963, 30080950). This variant is present in population databases (rs769738331, gnomAD 0.004%). This variant has not been reported in the literature in individuals affected with PDE6C-related conditions. ClinVar contains an entry for this variant (Variation ID: 938789). For these reasons, this variant has been classified as Pathogenic.

Molecular Genetics Department, Kulakov National Medical Research Center for Obstetrics, Gynecology and Perinatology
Classification: Likely pathogenic for Cone dystrophy 4. Review status: criteria provided, single submitter. Criteria: ACMG Guidelines, 2015. Collection method: clinical testing. Allele origin: germline. Affected: yes. Observed: 1 variant allele.
Comment: A previously undescribed heterozygous nucleotide variant creates a frameshift p.Thr709ArgfsTer8 in the PDE6C gene (rs769738331). Homozygous and compound heterozygous variants are reported in patients with cone dystrophy 4, 613093. The variant frequency in population database gnomAD is 0.0005%. The variant is found in trans-position with the PDE6C variant (NM_006204.4:c.304C>T). In summary, the currently available evidence indicates that the variant is pathogenic, but additional data are needed to prove that conclusively. Therefore, this variant has been classified as likely pathogenic.

Literature cited by the submitters: PubMed 19887631 (cited by Labcorp Genetics (formerly Invitae), Labcorp); PubMed 23776498 (cited by Labcorp Genetics (formerly Invitae), Labcorp); PubMed 26103963 (cited by Labcorp Genetics (formerly Invitae), Labcorp); PubMed 30080950 (cited by Labcorp Genetics (formerly Invitae), Labcorp).